The following is an entry in ClinVar:

NM_004369.4(COL6A3):c.6826G>A (p.Gly2276Arg)

Gene: COL6A3 (collagen type VI alpha 3 chain; minus strand). Cytogenetic location: 2q37.3.
Variant type: single nucleotide variant.
Coding change: c.6826G>A on transcript NM_004369.4 (MANE Select); coding-DNA position 6826, G replaced by A.
Protein change: p.Gly2276Arg; replaces glycine 2276 with arginine.
Molecular consequence: missense variant.
Genome position (GRCh38, 1-based): chr2:237,350,200, C>T on the plus strand (G>A on the coding strand, the complement: COL6A3 is on the minus strand). VCF-style: chr2-237350200-C-T. GRCh37 (hg19) VCF-style: chr2-238258843-C-T.
Other names: c.5005G>A, p.Gly1669Arg (NM_057166.5); c.6208G>A, p.Gly2070Arg (NM_057167.4); short protein forms G1669R, G2070R, G2276R.
Identifiers: ClinVar variation 1028741 (VCV001028741.4), dbSNP rs761156771, ClinGen allele CA2188068.

ClinVar aggregate classification (germline): Uncertain significance. Review status: criteria provided, multiple submitters, no conflicts (2 of 4 stars). 2 submissions from 2 submitters: Uncertain significance (2). Last evaluated 2023-11-18.

Conditions:
Bethlem myopathy 1A. Also called: Bethlem Muscular Dystrophy; MYOPATHY, BENIGN CONGENITAL, WITH CONTRACTURES; Bethlem myopathy 1. Identifiers: Orphanet 610, MedGen CN029274, MONDO:0024530, OMIM 158810.

Allele frequency attached by ClinVar (database versions not stated): gnomAD exomes below 0.00001 and 0.00001; ExAC 0.00001.
gnomAD v4.1: 12 of 1,614,078 alleles (0.00074%); highest among the groups gnomAD compares: East Asian, 0.0022%; no homozygotes.

Submissions (2):

Labcorp Genetics (formerly Invitae), Labcorp
Classification: Uncertain significance for Bethlem myopathy 1A. Last evaluated: 2023-11-18. Review status: criteria provided, single submitter. Criteria: Invitae Variant Classification Sherloc (09022015). Collection method: clinical testing. Allele origin: germline.
Comment: This sequence change replaces glycine, which is neutral and non-polar, with arginine, which is basic and polar, at codon 2276 of the COL6A3 protein (p.Gly2276Arg). This variant is present in population databases (rs761156771, gnomAD 0.0009%). This variant has not been reported in the literature in individuals affected with COL6A3-related conditions. ClinVar contains an entry for this variant (Variation ID: 1028741). Advanced modeling of protein sequence and biophysical properties (such as structural, functional, and spatial information, amino acid conservation, physicochemical variation, residue mobility, and thermodynamic stability) performed at Invitae indicates that this missense variant is expected to disrupt COL6A3 protein function with a positive predictive value of 80%. This variant disrupts the triple helix domain of COL6A3. Glycine residues within the Gly-Xaa-Yaa repeats of the triple helix domain are required for the structure and stability of fibrillar collagens (PMID: 7695699, 8218237, 19344236). In COL6A3, missense variants at these glycine residues are significantly enriched in individuals with autosomal dominant disease (PMID: 15689448, 24038877) compared to the general population (ExAC). In summary, the available evidence is currently insufficient to determine the role of this variant in disease. Therefore, it has been classified as a Variant of Uncertain Significance.

Baylor Genetics
Classification: Uncertain significance for Bethlem myopathy 1A. Last evaluated: 2019-05-20. Review status: criteria provided, single submitter. Criteria: ACMG Guidelines, 2015. Collection method: clinical testing. Allele origin: maternal. Affected: yes.
Comment: This variant was determined to be of uncertain significance according to ACMG Guidelines, 2015 [PMID:25741868].

Literature cited by the submitters: PubMed 7695699 (cited by Labcorp Genetics (formerly Invitae), Labcorp); PubMed 8218237 (cited by Labcorp Genetics (formerly Invitae), Labcorp); PubMed 19344236 (cited by Labcorp Genetics (formerly Invitae), Labcorp); PubMed 15689448 (cited by Labcorp Genetics (formerly Invitae), Labcorp); PubMed 24038877 (cited by Labcorp Genetics (formerly Invitae), Labcorp).